The following is an entry in ClinVar:

GRCh37/hg19 7q36.1(chr7:149561588-149576899)x3

Genes: ATP6V0E2 (ATPase H+ transporting V0 subunit e2; plus strand), ZNF862 (zinc finger protein 862; plus strand). Cytogenetic location: 7q36.1.
Variant type: copy number gain.
Change: copy number 3 (three copies instead of two) of chr7:149,561,588-149,576,899 (15.3 kb, GRCh37 coordinates, 1-based), cytogenetic band 7q36.1.
Identifiers: ClinVar variation 394603 (VCV000394603.3).

ClinVar aggregate classification (germline): Benign/Likely benign (0 of 4 stars; one submission).

Submission:

ISCA Site 6
Classification: Benign/Likely benign. Review status: no assertion criteria provided. Collection method: clinical testing. Allele origin: unknown. Affected: yes. Observed: 3 variant alleles. Clinical features observed: Developmental delay AND/OR other significant developmental or morphological phenotypes.
Comment: Likely benign (1), Benign (2)

Copy number variation identified through the course of routine clinical cytogenomic testing in postnatal populations, with clinical assertions as classified by the original submitter. For data from the original published study, Kaminsky, et al. 2011 (PubMed 21844811), please see nstd101.